The following is an entry in ClinVar:

ClinVar aggregate classification (germline): Likely benign (1 of 4 stars; one submission).

gnomAD v4.1: 5 of 1,614,220 alleles (0.00031%); highest among the groups gnomAD compares: Non-Finnish European, 0.00042%; no homozygotes.

Submission:

CeGaT Center for Human Genetics Tuebingen
Classification: Likely benign. Last evaluated: 2024-10-01. Review status: criteria provided, single submitter. Criteria: CeGaT Center For Human Genetics Tuebingen Variant Classification Criteria Version 2. Collection method: clinical testing. Allele origin: germline. Affected: yes. Observed: 1 variant allele.
Comment: COL6A3: BP4, BP7

NM_004369.4(COL6A3):c.7593C>T (p.Leu2531=)

Gene: COL6A3 (collagen type VI alpha 3 chain; minus strand). Cytogenetic location: 2q37.3.
Variant type: single nucleotide variant.
Coding change: c.7593C>T on transcript NM_004369.4 (MANE Select); coding-DNA position 7593, C replaced by T.
Protein change: p.Leu2531=; no amino-acid change (leucine 2531 retained).
Molecular consequence: synonymous variant.
Genome position (GRCh38, 1-based): chr2:237,344,425, G>A on the plus strand (C>T on the coding strand, the complement: COL6A3 is on the minus strand). VCF-style: chr2-237344425-G-A. GRCh37 (hg19) VCF-style: chr2-238253068-G-A.
Other names: c.5772C>T, p.Leu1924= (NM_057166.5); c.6975C>T, p.Leu2325= (NM_057167.4).
Identifiers: ClinVar variation 3389926 (VCV003389926.14).